The following is an entry in ClinVar:

ClinVar aggregate classification (germline): Uncertain significance (1 of 4 stars; one submission).

Conditions:
Familial infantile myasthenia (CMS6). Also called: MYASTHENIC SYNDROME, PRESYNAPTIC, CONGENITAL, ASSOCIATED WITH EPISODIC APNEA; MYASTHENIC SYNDROME, CONGENITAL, 6, PRESYNAPTIC; Congenital myasthenic syndrome type 6. Identifiers: Orphanet 590, MedGen C0393929, MONDO:0009689, OMIM 254210.

gnomAD v4.1: 3 of 1,613,814 alleles (0.00019%); highest among the groups gnomAD compares: South Asian, 0.0022%; no homozygotes.

Submission:

Labcorp Genetics (formerly Invitae), Labcorp
Classification: Uncertain significance for Familial infantile myasthenia. Last evaluated: 2021-08-19. Review status: criteria provided, single submitter. Criteria: Invitae Variant Classification Sherloc (09022015). Collection method: clinical testing. Allele origin: germline.
Comment: This sequence change replaces alanine with valine at codon 479 of the CHAT protein (p.Ala479Val). The alanine residue is moderately conserved and there is a small physicochemical difference between alanine and valine. This variant is not present in population databases (ExAC no frequency). This variant has not been reported in the literature in individuals affected with CHAT-related conditions. Advanced modeling of protein sequence and biophysical properties (such as structural, functional, and spatial information, amino acid conservation, physicochemical variation, residue mobility, and thermodynamic stability) performed at Invitae indicates that this missense variant is not expected to disrupt CHAT protein function. In summary, the available evidence is currently insufficient to determine the role of this variant in disease. Therefore, it has been classified as a Variant of Uncertain Significance.

NM_020549.5(CHAT):c.1436C>T (p.Ala479Val)

Gene: CHAT (choline O-acetyltransferase; plus strand). Cytogenetic location: 10q11.23.
Variant type: single nucleotide variant.
Coding change: c.1436C>T on transcript NM_020549.5 (MANE Select); coding-DNA position 1436, C replaced by T.
Protein change: p.Ala479Val; replaces alanine 479 with valine.
Molecular consequence: missense variant.
Genome position (GRCh38, 1-based): chr10:49,649,561, C>T. VCF-style: chr10-49649561-C-T. GRCh37 (hg19) VCF-style: chr10-50857607-C-T.
Other names: c.1082C>T, p.Ala361Val (NM_001142929.2, NM_001142934.2, NM_020984.4 and 2 more transcripts); c.1190C>T, p.Ala397Val (NM_001142933.2); short protein forms A479V, A361V, A397V.
Identifiers: ClinVar variation 1374737 (VCV001374737.3), dbSNP rs1319866298, ClinGen allele CA376743539.